The following is an entry in ClinVar:

ClinVar aggregate classification (germline): Pathogenic (1 of 4 stars; one submission).

Conditions:
Chuvash polycythemia. Also called: POLYCYTHEMIA, VHL-DEPENDENT. Identifiers: Orphanet 238557, MedGen C1837915, MONDO:0009892, OMIM 263400.
Von Hippel-Lindau syndrome (VHLS). Also called: VHL syndrome; Von Hippel-Lindau; von Hippel–Lindau syndrome. Identifiers: Orphanet 892, MedGen C0019562, MONDO:0008667, OMIM 193300. Disease mechanism: loss of function.

Submission:

Labcorp Genetics (formerly Invitae), Labcorp
Classification: Pathogenic for Von Hippel-Lindau syndrome; Chuvash polycythemia. Last evaluated: 2024-01-07. Review status: criteria provided, single submitter. Criteria: Invitae Variant Classification Sherloc (09022015). Collection method: clinical testing. Allele origin: unknown.
Comment: This variant is a gross deletion of the genomic region encompassing exon(s) 2 of the VHL gene. This variant would be expected to be in-frame, preserving the integrity of the reading frame. A similar copy number variant has been observed in individual(s) with von Hippel-Lindau disease (PMID: 12114495, 16884328, 19280651, 19764026). Algorithms developed to predict the effect of variants on protein structure and function are not available or were not evaluated for this variant. Experimental studies have shown that a similar copy number variant affects VHL function (PMID: 11024059). The region of the VHL gene that includes exon(s) 2 has been determined to be clinically significant (PMID: 12114495, 16884328, 19280651, 19764026). Therefore, deletions that encompass that region are likely to be disease-causing. For these reasons, this variant has been classified as Pathogenic.

Literature cited by the submitters: PubMed 12114495; PubMed 16884328; PubMed 19280651; PubMed 19764026; PubMed 11024059.

NC_000003.11:g.(?_10184445)_(10188340_?)del

Gene: VHL (von Hippel-Lindau tumor suppressor; plus strand). Cytogenetic location: 3p25.3.
Variant type: Deletion.
Identifiers: ClinVar variation 3246835 (VCV003246835.1).